The following is an entry in ClinVar:

ClinVar aggregate classification (germline): Likely pathogenic. Review status: criteria provided, single submitter (1 of 4 stars). 3 submissions from 3 submitters: Likely pathogenic (1). 2 of the submissions do not count toward it. Last evaluated 2025-07-21.

Conditions:
Unverricht-Lundborg syndrome. Also called: EPILEPSY, PROGRESSIVE MYOCLONIC, 1A; Unverricht-Lundborg Disease; Myoclonic epilepsy of unverricht and lundborg; Epilepsy, progressive myoclonic 1A (Unverricht and Lundborg); Progressive myoclonus epilepsy baltic myoclonic epilepsy; Myoclonus progressive epilepsy of Unverricht and Lundborg. Identifiers: Orphanet 308, MedGen C0751785, MONDO:0009698, OMIM 254800.

Allele frequency attached by ClinVar (database versions not stated): TOPMed below 0.00001; gnomAD 0.00001.

Submissions (3):

3billion
Classification: Likely pathogenic for Unverricht-Lundborg syndrome. Last evaluated: 2025-07-21. Review status: criteria provided, single submitter. Criteria: ACMG Guidelines, 2015. Collection method: clinical testing. Allele origin: germline. Affected: yes.
Comment: The variant is observed at an extremely low frequency in the gnomAD v4.1.0 dataset (total allele frequency: <0.001%). Predicted Consequence/Location: Missense variant. The majority of the known disease-causing variants of this gene are variants expected to result in premature termination of the protein. Functional studies provide moderate evidence of the variant having a damaging effect on the gene or gene product (PMID: 15483648). In silico tool predictions suggest damaging effect of the variant on gene or gene product [REVEL: 0.64 (>=0.6, sensitivity 0.68 and specificity 0.92)]. The same nucleotide change resulting in the same amino acid change has been previously reported to be associated with CSTB-related disorder (ClinVar ID: VCV000008397 /PMID: 9012407).A different missense change at the same codon (p.Gly4Trp) has been reported to be associated with CSTB-related disorder (ClinVar ID: VCV000431700 /PMID: 30542205). Therefore, this variant is classified as Likely pathogenic according to the recommendation of ACMG/AMP guideline.

OMIM
Classification: Pathogenic for MYOCLONIC EPILEPSY OF UNVERRICHT AND LUNDBORG. Last evaluated: 2005-02-01. Review status: no assertion criteria provided. Collection method: literature only. Allele origin: germline. Not counted in ClinVar's aggregate classification.

GeneReviews
No classification provided. Condition: Unverricht-Lundborg syndrome. Review status: no classification provided. Collection method: literature only. Allele origin: germline. Affected: yes. Not counted in ClinVar's aggregate classification.

Literature cited by the submitters: PubMed 15483648 (cited by 3billion and OMIM); PubMed 9012407 (cited by 3billion and OMIM); PubMed 30542205 (cited by 3billion); NCBI Bookshelf NBK1142 (cited by GeneReviews).

NM_000100.4(CSTB):c.10G>C (p.Gly4Arg)

Genes: CSTB (cystatin B; minus strand), LOC130066788 (ATAC-STARR-seq lymphoblastoid silent region 13368; plus strand). Cytogenetic location: 21q22.3.
Variant type: single nucleotide variant.
Coding change: c.10G>C on transcript NM_000100.4 (MANE Select); coding-DNA position 10, G replaced by C.
Protein change: p.Gly4Arg; replaces glycine 4 with arginine.
Molecular consequence: missense variant.
Genome position (GRCh38, 1-based): chr21:43,776,260, C>G on the plus strand (G>C on the coding strand, the complement: CSTB is on the minus strand). VCF-style: chr21-43776260-C-G. GRCh37 (hg19) VCF-style: chr21-45196141-C-G.
Other names: short protein forms G4R.
Identifiers: ClinVar variation 8397 (VCV000008397.5), dbSNP rs74315443, ClinGen allele CA340776.